The following is an entry in ClinVar:

ClinVar aggregate classification (germline): Uncertain significance (1 of 4 stars; one submission).

Conditions:
Immunodeficiency. Identifiers: MedGen C0021051, MONDO:0021094, HP:0002721.

Allele frequency attached by ClinVar (database versions not stated): gnomAD 0.00001; gnomAD exomes 0.00001; TOPMed 0.00001; ExAC 0.00002.
gnomAD v4.1: 17 of 1,614,084 alleles (0.0011%); highest among the groups gnomAD compares: Admixed American, 0.0017%; no homozygotes.

Submission:

Labcorp Genetics (formerly Invitae), Labcorp
Classification: Uncertain significance for Immunodeficiency. Last evaluated: 2023-05-16. Review status: criteria provided, single submitter. Criteria: Invitae Variant Classification Sherloc (09022015). Collection method: clinical testing. Allele origin: germline.
Comment: This sequence change replaces glutamic acid, which is acidic and polar, with glycine, which is neutral and non-polar, at codon 748 of the NFAT5 protein (p.Glu748Gly). This variant is present in population databases (rs764438107, gnomAD 0.002%). In summary, the available evidence is currently insufficient to determine the role of this variant in disease. Therefore, it has been classified as a Variant of Uncertain Significance. An algorithm developed to predict the effect of missense changes on protein structure and function (PolyPhen-2) suggests that this variant is likely to be tolerated. This variant has not been reported in the literature in individuals affected with NFAT5-related conditions.

NM_138713.4(NFAT5):c.2525A>G (p.Glu842Gly)

Gene: NFAT5 (nuclear factor of activated T cells 5; plus strand). Cytogenetic location: 16q22.1.
Variant type: single nucleotide variant.
Coding change: c.2525A>G on transcript NM_138713.4 (MANE Select); coding-DNA position 2525, A replaced by G.
Protein change: p.Glu842Gly; replaces glutamic acid 842 with glycine.
Molecular consequence: missense variant.
Genome position (GRCh38, 1-based): chr16:69,692,350, A>G. VCF-style: chr16-69692350-A-G. GRCh37 (hg19) VCF-style: chr16-69726253-A-G.
Other names: c.2522A>G, p.Glu841Gly (NM_001113178.3); c.1850A>G, p.Glu617Gly (NM_001367709.1); c.2471A>G, p.Glu824Gly (NM_006599.4); c.2243A>G, p.Glu748Gly (NM_138714.4, NM_173214.3, NM_173215.3); short protein forms E842G, E617G, E824G, E841G, E748G.
Identifiers: ClinVar variation 3011090 (VCV003011090.3), dbSNP rs764438107, ClinGen allele CA8135770.
Genomic context (GRCh38, chr16:69,692,350, plus strand): 5'-CACAGCAGCAGTTATCTTCAGTTTTATTTTCTGCTCCAGATGGTAATGAGAATGTTCAAG[A>G]GCAGCTTAGTGCAGATATTTTTCAACAAGTCAGTCAAATTCAGAGTGGTGTAAGCCCTGG-3'
Protein context (NP_619727.2, residues 832-852): SAPDGNENVQ[Glu842Gly]QLSADIFQQV